The following is an entry in ClinVar:

NM_001372066.1(TFAP2A):c.241C>T (p.Pro81Ser)

Gene: TFAP2A (transcription factor AP-2 alpha; minus strand). Cytogenetic location: 6p24.3.
Variant type: single nucleotide variant.
Coding change: c.241C>T on transcript NM_001372066.1 (MANE Select); coding-DNA position 241, C replaced by T.
Protein change: p.Pro81Ser; replaces proline 81 with serine.
Molecular consequence: missense variant.
Genome position (GRCh38, 1-based): chr6:10,410,146, G>A on the plus strand (C>T on the coding strand, the complement: TFAP2A is on the minus strand). VCF-style: chr6-10410146-G-A. GRCh37 (hg19) VCF-style: chr6-10410379-G-A.
Other names: c.217C>T, p.Pro73Ser (NM_001032280.3); c.223C>T, p.Pro75Ser (NM_001042425.3); short protein forms P73S, P75S, P81S.
Identifiers: ClinVar variation 3251209 (VCV003251209.18), dbSNP rs1207350614.

ClinVar aggregate classification (germline): Uncertain significance (1 of 4 stars; one submission).

gnomAD v4.1: 1 of 1,611,362 alleles (0.000062%); highest among the groups gnomAD compares: Non-Finnish European, 0.000085%; no homozygotes.

Submission:

CeGaT Center for Human Genetics Tuebingen
Classification: Uncertain significance. Last evaluated: 2024-06-01. Review status: criteria provided, single submitter. Criteria: CeGaT Center For Human Genetics Tuebingen Variant Classification Criteria Version 2. Collection method: clinical testing. Allele origin: germline. Affected: yes. Observed: 1 variant allele.
Comment: TFAP2A: PM2, PP3